The following is an entry in ClinVar:

NM_001281503.2(SLITRK1):c.2080C>T (p.Leu694Phe)

Gene: SLITRK1 (SLIT and NTRK like family member 1; minus strand). Cytogenetic location: 13q31.1.
Variant type: single nucleotide variant.
Coding change: c.2080C>T on transcript NM_001281503.2 (MANE Select); coding-DNA position 2080, C replaced by T.
Protein change: p.Leu694Phe; replaces leucine 694 with phenylalanine.
Molecular consequence: missense variant.
Genome position (GRCh38, 1-based): chr13:83,879,428, G>A on the plus strand (C>T on the coding strand, the complement: SLITRK1 is on the minus strand). VCF-style: chr13-83879428-G-A. GRCh37 (hg19) VCF-style: chr13-84453563-G-A.
Other names: c.2080C>T, p.Leu694Phe (NM_052910.2); short protein forms L694F.
Identifiers: ClinVar variation 2637275 (VCV002637275.1), dbSNP rs2501000717, ClinGen allele CA388436411.
Genomic context (GRCh38, chr13:83,879,428, plus strand): 5'-GGAAGGATGTATCGCCTTCCCTCTGCCCTCCCCTATTGGGGTTGGGGTCTTAGTCTGAGA[G>A]CGAGTGAGAGCCACAGTCATACACTCTGTGGGCCCCATCTGCGTTGTAAGGCCCATTGTG-3'
Protein context (NP_001268432.1, residues 684-696): HRVYDCGSHS[Leu694Phe]SD

ClinVar aggregate classification (germline): Uncertain significance (1 of 4 stars; one submission).

Conditions:
SLITRK1-related disorder. Also called: SLITRK1-related condition.

Submission:

PreventionGenetics, part of Exact Sciences
Classification: Uncertain significance for SLITRK1-related condition. Last evaluated: 2022-09-14. Review status: criteria provided, single submitter. Criteria: ACMG Guidelines, 2015. Collection method: clinical testing. Allele origin: germline.
Comment: The SLITRK1 c.2080C>T variant is predicted to result in the amino acid substitution p.Leu694Phe. To our knowledge, this variant has not been reported in the literature or in a large population database, indicating this variant is rare. At this time, the clinical significance of this variant is uncertain due to the absence of conclusive functional and genetic evidence.